The following is an entry in ClinVar:

ClinVar aggregate classification (germline): Uncertain significance (1 of 4 stars; one submission).

Submission:

Labcorp Genetics (formerly Invitae), Labcorp
Classification: Uncertain significance. Last evaluated: 2022-06-22. Review status: criteria provided, single submitter. Criteria: Invitae Variant Classification Sherloc (09022015). Collection method: clinical testing. Allele origin: germline.
Comment: In summary, the available evidence is currently insufficient to determine the role of this variant in disease. Therefore, it has been classified as a Variant of Uncertain Significance. Algorithms developed to predict the effect of missense changes on protein structure and function (SIFT, PolyPhen-2, Align-GVGD) all suggest that this variant is likely to be tolerated. This variant has not been reported in the literature in individuals affected with POLE-related conditions. This variant is not present in population databases (gnomAD no frequency). This sequence change replaces asparagine, which is neutral and polar, with lysine, which is basic and polar, at codon 1994 of the POLE protein (p.Asn1994Lys).

NM_006231.4(POLE):c.5982C>A (p.Asn1994Lys)

Gene: POLE (DNA polymerase epsilon, catalytic subunit; minus strand). Cytogenetic location: 12q24.33.
Variant type: single nucleotide variant.
Coding change: c.5982C>A on transcript NM_006231.4 (MANE Select); coding-DNA position 5982, C replaced by A.
Protein change: p.Asn1994Lys; replaces asparagine 1994 with lysine.
Molecular consequence: missense variant.
Genome position (GRCh38, 1-based): chr12:132,634,208, G>T on the plus strand (C>A on the coding strand, the complement: POLE is on the minus strand). VCF-style: chr12-132634208-G-T. GRCh37 (hg19) VCF-style: chr12-133210794-G-T.
Other names: short protein forms N1994K.
Identifiers: ClinVar variation 2009034 (VCV002009034.4), dbSNP rs2541859597, ClinGen allele CA387371448.